The following continues an entry in ClinVar:

NM_000080.4(CHRNE):c.103T>C (p.Tyr35His)

ClinVar aggregate classification (germline): Conflicting classifications of pathogenicity. Pathogenic (8); Likely pathogenic (7); Uncertain significance (1).

Submissions 11 to 17 of 17:

Department of Pathology and Laboratory Medicine, Sinai Health System
Classification: Likely pathogenic for Congenital myasthenic syndrome 4B; Congenital myasthenic syndrome 4A. Last evaluated: 2023-02-24. Review status: criteria provided, single submitter. Criteria: ACMG Guidelines, 2015. Collection method: research. Allele origin: germline.

Practice for Gait Abnormalities, David Pomarino, Competency Network Toe Walking C/o Practice Pomarino
Classification: Likely pathogenic for Tip-toe gait. Last evaluated: 2021-11-18. Review status: criteria provided, single submitter. Criteria: ACMG Guidelines, 2015. Collection method: clinical testing. Allele origin: germline. Affected: yes.
Comment: Myopathy refers to diseases that affect skeletal Muscles. These diseases attack muscle fibers, making muscles weak. Inherited myopathies are often caused by inheriting an abnormal gene mutation from a parent that causes the disease. Symptoms of congenital myopathies usually start at birth or in early childhood, but may not appear until the teen years or even later in adulthood. Congenital myopathies are somewhat unique compared with other inherited myopathies, as weakness typically affects all muscles and is often not progressive. Symptoms are: Muscle weakness, most commonly of upper arms and shoulders and thighs, muscle cramps, stiffness and spasms, fatigue with exertion and lack of energy. Our patients all walk on tiptoe, so they show similar symptoms. When we genetically test them with our toe walking panel, we find that around 90 per cent of them have a genetic variant that explains their toe walking. These can be assigned, for example, to the area of myopathies (such as variants of the COL6A3 gene), the area of hereditary neuropathies (such as variants of the KMT2C gene) or the area of metabolic diseases (such as variants of the PYGM gene). In a smaller group of patients with almost identical symptoms, no abnormality is found in the genes of our panel, but spastic paraplegia can be detected. In another small group of our toe walkers, no abnormalities can be detected in the genes analysed in our toe walking panel, nor do they suffer from spastic paraplegia, as is also the case with healthy children. In contrast to these, however, they show a tiptoe gait. These patients suffer from infantile cerebral palsy, in which toe walking can also be observed.

Baylor Genetics
Classification: Pathogenic for Congenital myasthenic syndrome 4B. Last evaluated: 2019-11-26. Review status: criteria provided, single submitter. Criteria: ACMG Guidelines, 2015. Collection method: clinical testing. Allele origin: unknown. Affected: yes.
Comment: This variant was determined to be pathogenic according to ACMG Guidelines, 2015 [PMID:25741868].

Athena Diagnostics
Classification: Likely pathogenic. Last evaluated: 2016-10-13. Review status: criteria provided, single submitter. Criteria: Athena Diagnostics Criteria. Collection method: clinical testing. Allele origin: germline.

Eurofins Ntd Llc (ga)
Classification: Uncertain significance. Last evaluated: 2015-07-29. Review status: criteria provided, single submitter. Criteria: EGL Classification Definitions 2015. Collection method: clinical testing. Allele origin: germline. Observed: 1 variant allele, 1 heterozygote.

Baylor Genetics
Classification: Pathogenic for Congenital myasthenic syndrome 4C. Review status: criteria provided, single submitter. Criteria: ACMG Guidelines, 2015. Collection method: clinical testing. Allele origin: germline.

Laboratory for Molecular Medicine, Mass General Brigham Personalized Medicine
Classification: Uncertain significance. Last evaluated: 2018-01-10. Review status: flagged submission. Criteria: LMM Criteria. Collection method: clinical testing. Allele origin: germline. Observed: 1 variant allele. Not counted in ClinVar's aggregate classification.
Comment: Variant classified as Uncertain Significance - Favor Pathogenic. The p.Tyr35His variant in CHRNE has been reported in the compound heterozygous state in 6 indiv iduals with congenital myasthenic syndrome, and segregated with disease in two a ffected members of one family (reported as p.Tyr15His; Ealing 2002, Palace 2012, Webster 2014). It has also been identified in 0.1% (146/126616) of European chr omosomes by the Genome Aggregation Database (gnomAD; dbSNP rs144169073). In vitro functional studies provide some evidence tha t the p.Tyr35His variant may impact protein function (Ealing 2002). However, the se types of assays may not accurately represent biological function. Computation al prediction tools and conservation analysis also suggest that the variant may impact the protein, though this information is not predictive enough to determin e pathogenicity. In summary, while there is some suspicion for a pathogenic role , the clinical significance of the p.Tyr35His variant is uncertain due to its fr equency in the general population. ACMG/AMP Criteria applied: PM3_Supporting; PS 4_Moderate; PP3; PS3_Supporting; BS1_Supporting.
ClinVar note: Reason: Outlier claim with insufficient supporting evidence

Literature cited by the submitters: PubMed 12417530 (cited by 4 submitters); PubMed 17878953 (cited by 3 submitters); PubMed 21940170 (cited by 5 submitters); PubMed 24295813 (cited by 4 submitters); PubMed 31980526 (cited by Women's Health and Genetics/Laboratory Corporation of America, LabCorp); PubMed 29189923 (cited by Women's Health and Genetics/Laboratory Corporation of America, LabCorp); PubMed 37091313 (cited by Practice for Gait Abnormalities, David Pomarino, Competency Network Toe Walking C/o Practice Pomarino); PubMed 19544078 (cited by Athena Diagnostics).